The following is an entry in ClinVar:

ClinVar aggregate classification (germline): Uncertain significance. Review status: criteria provided, multiple submitters, no conflicts (2 of 4 stars). 3 submissions from 3 submitters: Uncertain significance (3). Last evaluated 2025-11-05.

Conditions:
Inborn genetic diseases. Identifiers: MedGen C0950123, MeSH D030342.
Familial hemophagocytic lymphohistiocytosis 5. Also called: STXBP2-Related Familial Hemophagocytic Lymphohistiocytosis (STXBP2-fHLH). Identifiers: Orphanet 540, MedGen C2751293, MONDO:0013135, OMIM 613101.

Allele frequency attached by ClinVar (database versions not stated): TOPMed 0.00001; gnomAD 0.00002.
gnomAD v4.1: 8 of 1,611,802 alleles (0.0005%); highest among the groups gnomAD compares: African/African-American, 0.004%; no homozygotes.

Submissions (3):

Ambry Genetics
Classification: Uncertain significance for Inborn genetic diseases. Last evaluated: 2025-11-05. Review status: criteria provided, single submitter. Criteria: Ambry Variant Classification Scheme 2023. Collection method: clinical testing. Allele origin: germline.

Labcorp Genetics (formerly Invitae), Labcorp
Classification: Uncertain significance for Familial hemophagocytic lymphohistiocytosis 5. Last evaluated: 2022-02-02. Review status: criteria provided, single submitter. Criteria: Invitae Variant Classification Sherloc (09022015). Collection method: clinical testing. Allele origin: germline.
Comment: This sequence change replaces arginine, which is basic and polar, with tryptophan, which is neutral and slightly polar, at codon 490 of the STXBP2 protein (p.Arg490Trp). This variant is present in population databases (no rsID available, gnomAD 0.004%). This variant has not been reported in the literature in individuals affected with STXBP2-related conditions. ClinVar contains an entry for this variant (Variation ID: 1025825). Algorithms developed to predict the effect of missense changes on protein structure and function are either unavailable or do not agree on the potential impact of this missense change (SIFT: "Deleterious"; PolyPhen-2: "Benign"; Align-GVGD: "Class C0"). In summary, the available evidence is currently insufficient to determine the role of this variant in disease. Therefore, it has been classified as a Variant of Uncertain Significance.

Blueprint Genetics
Classification: Uncertain significance. Last evaluated: 2020-12-27. Review status: criteria provided, single submitter. Criteria: ACMG Guidelines, 2015. Collection method: clinical testing. Allele origin: germline.

NM_006949.4(STXBP2):c.1468C>T (p.Arg490Trp)

Gene: STXBP2 (syntaxin binding protein 2; plus strand). Cytogenetic location: 19p13.2.
Variant type: single nucleotide variant.
Coding change: c.1468C>T on transcript NM_006949.4 (MANE Select); coding-DNA position 1468, C replaced by T.
Protein change: p.Arg490Trp; replaces arginine 490 with tryptophan.
Molecular consequence: missense variant. On other transcripts: non-coding transcript variant (1).
Genome position (GRCh38, 1-based): chr19:7,647,177, C>T. VCF-style: chr19-7647177-C-T. GRCh37 (hg19) VCF-style: chr19-7712063-C-T.
Other names: c.1459C>T, p.Arg487Trp (NM_001127396.3); c.1501C>T, p.Arg501Trp (NM_001272034.2); c.1468C>T (NM_006949.2); short protein forms R487W, R490W, R501W.
Identifiers: ClinVar variation 1025825 (VCV001025825.8), dbSNP rs754527648, ClinGen allele CA403161763.